The following is an entry in ClinVar:

ClinVar aggregate classification (germline): Likely pathogenic (1 of 4 stars; one submission).

Conditions:
GNE myopathy (NM). Also called: MYOPATHY, DISTAL, WITH OR WITHOUT RIMMED VACUOLES; IBM 2; Inclusion body myopathy autosomal recessive; Inclusion body myopathy quadriceps sparing; NONAKA DISTAL MYOPATHY; INCLUSION BODY MYOPATHY, HEREDITARY, AUTOSOMAL RECESSIVE. Identifiers: Orphanet 602, MedGen C1853926, MONDO:0011603, OMIM 605820.

Submission:

Myriad Genetics, Inc.
Classification: Likely pathogenic for GNE myopathy. Last evaluated: 2021-11-12. Review status: criteria provided, single submitter. Criteria: Myriad Women's Health Autosomal Recessive and X-Linked Classification Criteria (2021). Collection method: clinical testing. Allele origin: unknown.
Comment: NM_001128227.2(GNE):c.1398delT(Q467Sfs*13) is expected to be pathogenic in the context of GNE myopathy. This variant is predicted to lead to an abnormal or absent protein product due to the creation of a premature termination codon in GNE, a gene where loss-of-function variants are known to be pathogenic. Please note: this variant was assessed in the context of healthy population screening.

NM_005476.7(GNE):c.1305del (p.Gln436fs)

Gene: GNE (glucosamine (UDP-N-acetyl)-2-epimerase/N-acetylmannosamine kinase; minus strand). Cytogenetic location: 9p13.3.
Variant type: Deletion.
Coding change: c.1305del on transcript NM_005476.7 (MANE Select); coding-DNA position 1305, one base deleted (T; older notation c.1305delT).
Protein change: p.Gln436fs; shifts the reading frame from glutamine 436.
Molecular consequence: frameshift variant.
Genome position (GRCh38, 1-based): chr9:36,223,479, A deleted on the plus strand (T on the coding strand, the reverse complement: GNE is on the minus strand). VCF-style (leftmost placement, unchanged base first): chr9-36223478-GA-G. GRCh37 (hg19) VCF-style: chr9-36223475-GA-G.
Other names: c.1398del, p.Gln467fs (NM_001128227.3); c.1305del, p.Gln436fs (NM_001190383.3); c.975del, p.Gln326fs (NM_001190384.3); c.1128del, p.Gln377fs (NM_001190388.2, NM_001374798.1); c.1152del, p.Gln385fs (NM_001374797.1); short protein forms Q326fs, Q377fs, Q385fs, Q436fs, Q467fs.
Identifiers: ClinVar variation 1724417 (VCV001724417.2), dbSNP rs2489631969, ClinGen allele CA2580080535.